The following is an entry in ClinVar:

NM_004260.4(RECQL4):c.3119C>T (p.Pro1040Leu)

Gene: RECQL4 (RecQ like helicase 4; minus strand). Cytogenetic location: 8q24.3.
Variant type: single nucleotide variant.
Coding change: c.3119C>T on transcript NM_004260.4 (MANE Select); coding-DNA position 3119, C replaced by T.
Protein change: p.Pro1040Leu; replaces proline 1040 with leucine.
Molecular consequence: missense variant.
Genome position (GRCh38, 1-based): chr8:144,512,261, G>A on the plus strand (C>T on the coding strand, the complement: RECQL4 is on the minus strand). VCF-style: chr8-144512261-G-A. GRCh37 (hg19) VCF-style: chr8-145737644-G-A.
Other names: short protein forms P1040L.
Identifiers: ClinVar variation 863854 (VCV000863854.8), dbSNP rs370867731, ClinGen allele CA4947922.

ClinVar aggregate classification (germline): Uncertain significance. Review status: criteria provided, multiple submitters, no conflicts (2 of 4 stars). 2 submissions from 2 submitters: Uncertain significance (2). Last evaluated 2025-08-07.

Conditions:
Baller-Gerold syndrome (BGS). Also called: CRANIOSYNOSTOSIS WITH RADIAL DEFECTS. Identifiers: Orphanet 1225, MedGen C0265308, MONDO:0009039, OMIM 218600.
Hereditary cancer-predisposing syndrome. Also called: Tumor predisposition; Hereditary Cancer Syndrome; Neoplastic Syndromes, Hereditary; Hereditary neoplastic syndrome. Identifiers: Orphanet 140162, MedGen C0027672, MeSH D009386, MONDO:0015356.

Allele frequency attached by ClinVar (database versions not stated): TOPMed 0.00001; ESP Exome Variant Server 0.00008; 1000 Genomes Project 30x 0.00016; 1000 Genomes Project 0.00020.
gnomAD v4.1: 51 of 1,612,470 alleles (0.0032%); highest among the groups gnomAD compares: Middle Eastern, 0.033%; no homozygotes.

Submissions (2):

Labcorp Genetics (formerly Invitae), Labcorp
Classification: Uncertain significance for Baller-Gerold syndrome. Last evaluated: 2025-08-07. Review status: criteria provided, single submitter. Criteria: Invitae Variant Classification Sherloc (09022015). Collection method: clinical testing. Allele origin: germline.
Comment: This sequence change replaces proline, which is neutral and non-polar, with leucine, which is neutral and non-polar, at codon 1040 of the RECQL4 protein (p.Pro1040Leu). This variant is present in population databases (rs370867731, gnomAD 0.01%). This variant has not been reported in the literature in individuals affected with RECQL4-related conditions. ClinVar contains an entry for this variant (Variation ID: 863854). Invitae Evidence Modeling of protein sequence and biophysical properties (such as structural, functional, and spatial information, amino acid conservation, physicochemical variation, residue mobility, and thermodynamic stability) indicates that this missense variant is not expected to disrupt RECQL4 protein function with a negative predictive value of 80%. In summary, the available evidence is currently insufficient to determine the role of this variant in disease. Therefore, it has been classified as a Variant of Uncertain Significance.

Sema4
Classification: Uncertain significance for Hereditary cancer-predisposing syndrome. Last evaluated: 2022-02-09. Review status: criteria provided, single submitter. Criteria: Sema4 Curation Guidelines. Collection method: curation. Allele origin: germline.
Comment: The RECQL4 c.3119C>T (p.P1040L) variant has not been reported in the literature to our knowledge. This variant was observed in 14/247292 chromosomes across all population in the large and borad cohorts in the Genome Aggregation Database (PMID: 32461654). The variant has been reported in ClinVar (Variation ID: 863854). Functional studies have not been performed, and in silico predictions of the variant's effect on protein function are inconclusive. The evidence is insufficient to meet ACMG/AMP criteria for classifying the variant as benign or pathogenic. Thus, the clinical significance of this variant is currently uncertain.